The following is an entry in ClinVar:

ClinVar aggregate classification (germline): Uncertain significance (1 of 4 stars; one submission).

Conditions:
Luscan-Lumish syndrome. Identifiers: Orphanet 597738, MedGen C4085873, MONDO:0014791, OMIM 616831.

Submission:

Labcorp Genetics (formerly Invitae), Labcorp
Classification: Uncertain significance for Luscan-Lumish syndrome. Last evaluated: 2025-11-19. Review status: criteria provided, single submitter. Criteria: Invitae Variant Classification Sherloc (09022015). Collection method: clinical testing. Allele origin: germline.
Comment: This sequence change replaces methionine, which is neutral and non-polar, with isoleucine, which is neutral and non-polar, at codon 504 of the SETD2 protein (p.Met504Ile). This variant is not present in population databases (gnomAD no frequency). This variant has not been reported in the literature in individuals affected with SETD2-related conditions. Invitae Evidence Modeling of protein sequence and biophysical properties (such as structural, functional, and spatial information, amino acid conservation, physicochemical variation, residue mobility, and thermodynamic stability) indicates that this missense variant is not expected to disrupt SETD2 protein function with a negative predictive value of 80%. In summary, the available evidence is currently insufficient to determine the role of this variant in disease. Therefore, it has been classified as a Variant of Uncertain Significance.

NM_014159.7(SETD2):c.1512G>A (p.Met504Ile)

Gene: SETD2 (SET domain containing 2, histone lysine methyltransferase; minus strand). Cytogenetic location: 3p21.31.
Variant type: single nucleotide variant.
Coding change: c.1512G>A on transcript NM_014159.7 (MANE Select); coding-DNA position 1512, G replaced by A.
Protein change: p.Met504Ile; replaces methionine 504 with isoleucine.
Molecular consequence: missense variant. On other transcripts: non-coding transcript variant (1).
Genome position (GRCh38, 1-based): chr3:47,123,124, C>T on the plus strand (G>A on the coding strand, the complement: SETD2 is on the minus strand). VCF-style: chr3-47123124-C-T. GRCh37 (hg19) VCF-style: chr3-47164614-C-T.
Other names: c.1380G>A, p.Met460Ile (NM_001349370.3); short protein forms M504I, M460I.
Identifiers: ClinVar variation 4745828 (VCV004745828.1).
Genomic context (GRCh38, chr3:47,123,124, plus strand): 5'-ATTTTCTGAAGTCCTTTTAGATTCTCTTTCTAGTTTTGAAGAATACTTGCCTCTTCTTTC[C>T]ATCTCTAAGTAAGAGGTCTCAGTTTTACAGTCCCGATCAGATTTAGAATAGGATGATGTC-3'
Protein context (NP_054878.5, residues 494-514): DCKTETSYLE[Met504Ile]ERRGKYSSKL